The following is an entry in ClinVar:

NM_031935.3(HMCN1):c.1165T>C (p.Trp389Arg)

Gene: HMCN1 (hemicentin 1; plus strand). Cytogenetic location: 1q31.1.
Variant type: single nucleotide variant.
Coding change: c.1165T>C on transcript NM_031935.3 (MANE Select); coding-DNA position 1165, T replaced by C.
Protein change: p.Trp389Arg; replaces tryptophan 389 with arginine.
Molecular consequence: missense variant.
Genome position (GRCh38, 1-based): chr1:185,923,533, T>C. VCF-style: chr1-185923533-T-C. GRCh37 (hg19) VCF-style: chr1-185892665-T-C.
Other names: short protein forms W389R.
Identifiers: ClinVar variation 874521 (VCV000874521.10), dbSNP rs777770411, ClinGen allele CA1291049.

ClinVar aggregate classification (germline): Uncertain significance. Review status: criteria provided, multiple submitters, no conflicts (2 of 4 stars). 4 submissions from 4 submitters: Uncertain significance (4). Last evaluated 2023-12-25.

Conditions:
Age related macular degeneration 1 (ARMD1). Also called: MACULOPATHY, AGE-RELATED, 1. Identifiers: MedGen C1864205, MONDO:0011285, OMIM 603075.

Allele frequency attached by ClinVar (database versions not stated): gnomAD 0.00001; TOPMed 0.00001; gnomAD exomes 0.00002 and 0.00004; ExAC 0.00005.
gnomAD v4.1: 33 of 1,612,406 alleles (0.002%); highest among the groups gnomAD compares: South Asian, 0.0044%; no homozygotes.

Submissions (4):

Labcorp Genetics (formerly Invitae), Labcorp
Classification: Uncertain significance. Last evaluated: 2023-12-25. Review status: criteria provided, single submitter. Criteria: Invitae Variant Classification Sherloc (09022015). Collection method: clinical testing. Allele origin: germline.
Comment: This sequence change replaces tryptophan, which is neutral and slightly polar, with arginine, which is basic and polar, at codon 389 of the HMCN1 protein (p.Trp389Arg). This variant is present in population databases (rs777770411, gnomAD 0.02%). This variant has not been reported in the literature in individuals affected with HMCN1-related conditions. ClinVar contains an entry for this variant (Variation ID: 874521). An algorithm developed to predict the effect of missense changes on protein structure and function (PolyPhen-2) suggests that this variant is likely to be disruptive. In summary, the available evidence is currently insufficient to determine the role of this variant in disease. Therefore, it has been classified as a Variant of Uncertain Significance.

Genome-Nilou Lab
Classification: Uncertain significance for Age related macular degeneration 1. Last evaluated: 2023-04-11. Review status: criteria provided, single submitter. Criteria: ACMG Guidelines, 2015. Collection method: clinical testing. Allele origin: germline. Affected: no.

Ambry Genetics
Classification: Uncertain significance. Last evaluated: 2022-10-03. Review status: criteria provided, single submitter. Criteria: Ambry Variant Classification Scheme 2023. Collection method: clinical testing. Allele origin: germline.

Illumina Laboratory Services, Illumina
Classification: Uncertain significance for Age related macular degeneration 1. Last evaluated: 2018-01-12. Review status: criteria provided, single submitter. Criteria: ICSL Variant Classification Criteria 13 December 2019. Collection method: clinical testing. Allele origin: germline.